The following is an entry in ClinVar:

NM_006445.4(PRPF8):c.3709A>G (p.Met1237Val)

Gene: PRPF8 (pre-mRNA processing factor 8; minus strand). Cytogenetic location: 17p13.3.
Variant type: single nucleotide variant.
Coding change: c.3709A>G on transcript NM_006445.4 (MANE Select); coding-DNA position 3709, A replaced by G.
Protein change: p.Met1237Val; replaces methionine 1237 with valine.
Molecular consequence: missense variant.
Genome position (GRCh38, 1-based): chr17:1,673,146, T>C on the plus strand (A>G on the coding strand, the complement: PRPF8 is on the minus strand). VCF-style: chr17-1673146-T-C. GRCh37 (hg19) VCF-style: chr17-1576440-T-C.
Other names: short protein forms M1237V.
Identifiers: ClinVar variation 953303 (VCV000953303.9), dbSNP rs1053250821, ClinGen allele CA286804066.

ClinVar aggregate classification (germline): Uncertain significance. Review status: criteria provided, multiple submitters, no conflicts (2 of 4 stars). 3 submissions from 3 submitters: Uncertain significance (3). Last evaluated 2025-02-22.

Conditions:
Inborn genetic diseases. Identifiers: MedGen C0950123, MeSH D030342.
Retinitis pigmentosa 13 (RP13). Also called: PRPF 8-Related Retinitis Pigmentosa. Identifiers: Orphanet 791, MedGen C1838702, MONDO:0010806, OMIM 600059.

Allele frequency attached by ClinVar (database versions not stated): gnomAD below 0.00001 and 0.00001; gnomAD exomes 0.00001 and 0.00002.

Submissions (3):

Ambry Genetics
Classification: Uncertain significance for Inborn genetic diseases. Last evaluated: 2025-02-22. Review status: criteria provided, single submitter. Criteria: Ambry Variant Classification Scheme 2023. Collection method: clinical testing. Allele origin: germline.

Revvity Omics, Revvity
Classification: Uncertain significance for Retinitis pigmentosa 13. Last evaluated: 2024-12-04. Review status: criteria provided, single submitter. Criteria: ACMG Guidelines, 2015. Collection method: clinical testing. Allele origin: germline.

Labcorp Genetics (formerly Invitae), Labcorp
Classification: Uncertain significance. Last evaluated: 2022-02-04. Review status: criteria provided, single submitter. Criteria: Invitae Variant Classification Sherloc (09022015). Collection method: clinical testing. Allele origin: germline.
Comment: This sequence change replaces methionine, which is neutral and non-polar, with valine, which is neutral and non-polar, at codon 1237 of the PRPF8 protein (p.Met1237Val). This variant is present in population databases (no rsID available, gnomAD 0.002%). This variant has not been reported in the literature in individuals affected with PRPF8-related conditions. ClinVar contains an entry for this variant (Variation ID: 953303). Algorithms developed to predict the effect of missense changes on protein structure and function (SIFT, PolyPhen-2, Align-GVGD) all suggest that this variant is likely to be tolerated. In summary, the available evidence is currently insufficient to determine the role of this variant in disease. Therefore, it has been classified as a Variant of Uncertain Significance.